The following is an entry in ClinVar:

ClinVar aggregate classification (germline): Uncertain significance (1 of 4 stars; one submission).

Conditions:
Joubert syndrome. Also called: JOUBERT-BOLTSHAUSER SYNDROME; Familial aplasia of the vermis. Identifiers: Orphanet 475, MedGen C5979921, MONDO:0018772.
Meckel-Gruber syndrome. Also called: DYSENCEPHALIA SPLANCHNOCYSTICA; GRUBER SYNDROME; Dysencephalia splachnocystica. Identifiers: Orphanet 564, MedGen C0265215, MONDO:0018921.

Allele frequency attached by ClinVar (database versions not stated): gnomAD exomes below 0.00001; TOPMed below 0.00001.
gnomAD v4.1: 2 of 1,613,652 alleles (0.00012%); highest among the groups gnomAD compares: Non-Finnish European, 0.00017%; no homozygotes.

Submission:

Labcorp Genetics (formerly Invitae), Labcorp
Classification: Uncertain significance for Joubert syndrome; Meckel-Gruber syndrome. Last evaluated: 2021-09-04. Review status: criteria provided, single submitter. Criteria: Invitae Variant Classification Sherloc (09022015). Collection method: clinical testing. Allele origin: germline.
Comment: This sequence change replaces valine with isoleucine at codon 1542 of the CC2D2A protein (p.Val1542Ile). The valine residue is moderately conserved and there is a small physicochemical difference between valine and isoleucine. This variant is not present in population databases (ExAC no frequency). This variant has not been reported in the literature in individuals affected with CC2D2A-related conditions. Algorithms developed to predict the effect of missense changes on protein structure and function output the following: SIFT: "Tolerated"; PolyPhen-2: "Benign"; Align-GVGD: "Class C0". The isoleucine amino acid residue is found in multiple mammalian species, which suggests that this missense change does not adversely affect protein function. In summary, the available evidence is currently insufficient to determine the role of this variant in disease. Therefore, it has been classified as a Variant of Uncertain Significance.

NM_001378615.1(CC2D2A):c.4624G>A (p.Val1542Ile)

Genes: CC2D2A (coiled-coil and C2 domain containing 2A; plus strand), FBXL5 (F-box and leucine rich repeat protein 5; minus strand). Cytogenetic location: 4p15.32.
Variant type: single nucleotide variant.
Coding change: c.4624G>A on transcript NM_001378615.1 (MANE Select); coding-DNA position 4624, G replaced by A.
Protein change: p.Val1542Ile; replaces valine 1542 with isoleucine.
Molecular consequence: missense variant.
Genome position (GRCh38, 1-based): chr4:15,599,656, G>A. VCF-style: chr4-15599656-G-A. GRCh37 (hg19) VCF-style: chr4-15601279-G-A.
Other names: c.4624G>A, p.Val1542Ile (NM_001080522.2); c.4477G>A, p.Val1493Ile (NM_001378617.1); short protein forms V1542I, V1493I.
Identifiers: ClinVar variation 1447478 (VCV001447478.6), dbSNP rs1721490248, ClinGen allele CA356434461.
Genomic context (GRCh38, chr4:15,599,656, plus strand): 5'-TATTGTACCTCTACTCTGCGTCACTTCTTGCCTCTGTTAGAAAAAAGTCAAGGAGAAGAT[G>A]TAGAAGATGACCACAGAGCAGAACTGCTAAAACAGCTGGGAGACTACAGGGTAAGTTACA-3'
Protein context (NP_001365544.1, residues 1532-1552): PLLEKSQGED[Val1542Ile]EDDHRAELLK